The following is an entry in ClinVar:

ClinVar aggregate classification (germline): Conflicting classifications of pathogenicity. Review status: criteria provided, conflicting classifications (1 of 4 stars). 2 submissions from 2 submitters: Uncertain significance (1); Likely benign (1). Last evaluated 2023-11-01.

Allele frequency attached by ClinVar (database versions not stated): ExAC 0.00003.
gnomAD v4.1: 28 of 1,211,817 alleles (0.0023%); highest among the groups gnomAD compares: South Asian, 0.039%; 1 homozygote.

Submissions (2):

CeGaT Center for Human Genetics Tuebingen
Classification: Likely benign. Last evaluated: 2023-11-01. Review status: criteria provided, single submitter. Criteria: CeGaT Center For Human Genetics Tuebingen Variant Classification Criteria Version 2. Collection method: clinical testing. Allele origin: germline. Affected: yes. Observed: 1 variant allele.
Comment: HS6ST2: BS2

Ambry Genetics
Classification: Uncertain significance. Last evaluated: 2023-05-15. Review status: criteria provided, single submitter. Criteria: Ambry Variant Classification Scheme 2023. Collection method: clinical testing. Allele origin: germline.

NM_001394073.1(HS6ST2):c.1339G>C (p.Val447Leu)

Gene: HS6ST2 (heparan sulfate 6-O-sulfotransferase 2; minus strand). Cytogenetic location: Xq26.2.
Variant type: single nucleotide variant.
Coding change: c.1339G>C on transcript NM_001394073.1 (MANE Select); coding-DNA position 1339, G replaced by C.
Protein change: p.Val447Leu; replaces valine 447 with leucine.
Molecular consequence: missense variant.
Genome position (GRCh38, 1-based): chrX:132,628,822, C>G on the plus strand (G>C on the coding strand, the complement: HS6ST2 is on the minus strand). VCF-style: chrX-132628822-C-G. GRCh37 (hg19) VCF-style: chrX-131762850-C-G.
Other names: c.1339G>C, p.Val447Leu (NM_001077188.2); c.1219G>C, p.Val407Leu (NM_001394074.1, NM_147175.4); short protein forms V407L, V447L.
Identifiers: ClinVar variation 2546162 (VCV002546162.26), dbSNP rs758915436, ClinGen allele CA10519506.